The following is an entry in ClinVar:

NM_001621.5(AHR):c.271C>A (p.Pro91Thr)

Gene: AHR (aryl hydrocarbon receptor; plus strand). Cytogenetic location: 7p21.1.
Variant type: single nucleotide variant.
Coding change: c.271C>A on transcript NM_001621.5 (MANE Select); coding-DNA position 271, C replaced by A.
Protein change: p.Pro91Thr; replaces proline 91 with threonine.
Molecular consequence: missense variant.
Genome position (GRCh38, 1-based): chr7:17,322,518, C>A. VCF-style: chr7-17322518-C-A. GRCh37 (hg19) VCF-style: chr7-17362142-C-A.
Other names: short protein forms P91T.
Identifiers: ClinVar variation 1415901 (VCV001415901.8), dbSNP rs190138857, ClinGen allele CA4171776.
Genomic context (GRCh38, chr7:17,322,518, plus strand): 5'-CTTGCTTACTTTTAAAATCATTGTTTTTCCTTTTTTTCCATAGTTGCATTAAAATCCTCC[C>A]CTACTGAAAGAAACGGAGGCCAGGATAACTGTAGAGCAGCAAATTTCAGAGAAGGCCTGA-3'
Protein context (NP_001612.1, residues 81-101): SFFDVALKSS[Pro91Thr]TERNGGQDNC

ClinVar aggregate classification (germline): Uncertain significance (1 of 4 stars; one submission).

Allele frequency attached by ClinVar (database versions not stated): gnomAD 0.00001; gnomAD exomes 0.00001; ExAC 0.00002; 1000 Genomes Project 0.00020; 1000 Genomes Project 30x 0.00031.
gnomAD v4.1: 23 of 1,610,370 alleles (0.0014%); highest among the groups gnomAD compares: Non-Finnish European, 0.0019%; no homozygotes.

Submission:

Labcorp Genetics (formerly Invitae), Labcorp
Classification: Uncertain significance. Last evaluated: 2023-12-04. Review status: criteria provided, single submitter. Criteria: Invitae Variant Classification Sherloc (09022015). Collection method: clinical testing. Allele origin: germline.
Comment: This sequence change replaces proline, which is neutral and non-polar, with threonine, which is neutral and polar, at codon 91 of the AHR protein (p.Pro91Thr). The frequency data for this variant in the population databases is considered unreliable, as metrics indicate poor data quality at this position in the gnomAD database. This variant has not been reported in the literature in individuals affected with AHR-related conditions. ClinVar contains an entry for this variant (Variation ID: 1415901). An algorithm developed to predict the effect of missense changes on protein structure and function (PolyPhen-2) suggests that this variant is likely to be tolerated. In summary, the available evidence is currently insufficient to determine the role of this variant in disease. Therefore, it has been classified as a Variant of Uncertain Significance.